The following is an entry in ClinVar:

ClinVar aggregate classification (germline): Likely benign. Review status: criteria provided, multiple submitters, no conflicts (2 of 4 stars). 2 submissions from 2 submitters: Likely benign (2). Last evaluated 2026-09-01.

Allele frequency attached by ClinVar (database versions not stated): gnomAD exomes 0.00001; ExAC 0.00002.
gnomAD v4.1: 9 of 1,614,096 alleles (0.00056%); highest among the groups gnomAD compares: Non-Finnish European, 0.00059%; no homozygotes.

Submissions (2):

CeGaT Center for Human Genetics Tuebingen
Classification: Likely benign. Last evaluated: 2026-09-01. Review status: criteria provided, single submitter. Criteria: CeGaT Center For Human Genetics Tuebingen Variant Classification Criteria Version 2. Collection method: clinical testing. Allele origin: germline. Affected: yes. Observed: 1 variant allele.
Comment: NARS2: BP4, BP7

Labcorp Genetics (formerly Invitae), Labcorp
Classification: Likely benign. Last evaluated: 2022-04-11. Review status: criteria provided, single submitter. Criteria: Invitae Variant Classification Sherloc (09022015). Collection method: clinical testing. Allele origin: germline.

NM_024678.6(NARS2):c.1119C>T (p.Leu373=)

Genes: NARS2 (asparaginyl-tRNA synthetase 2, mitochondrial; minus strand), LOC130006506 (ATAC-STARR-seq lymphoblastoid active region 5325; plus strand). Cytogenetic location: 11q14.1.
Variant type: single nucleotide variant.
Coding change: c.1119C>T on transcript NM_024678.6 (MANE Select); coding-DNA position 1119, C replaced by T.
Protein change: p.Leu373=; no amino-acid change (leucine 373 retained).
Molecular consequence: synonymous variant.
Genome position (GRCh38, 1-based): chr11:78,465,921, G>A on the plus strand (C>T on the coding strand, the complement: NARS2 is on the minus strand). VCF-style: chr11-78465921-G-A. GRCh37 (hg19) VCF-style: chr11-78176967-G-A.
Other names: c.438C>T, p.Leu146= (NM_001243251.2).
Identifiers: ClinVar variation 1919802 (VCV001919802.6), dbSNP rs774064377, ClinGen allele CA6205578.